The following is an entry in ClinVar:

NM_004329.3(BMPR1A):c.531-4A>G

Gene: BMPR1A (bone morphogenetic protein receptor type 1A; plus strand). Cytogenetic location: 10q23.2.
Variant type: single nucleotide variant.
Coding change: c.531-4A>G on transcript NM_004329.3 (MANE Select); 4 bases into the intron before coding-DNA position 531, A replaced by G.
Molecular consequence: intron variant.
Genome position (GRCh38, 1-based): chr10:86,912,236, A>G. VCF-style: chr10-86912236-A-G. GRCh37 (hg19) VCF-style: chr10-88671993-A-G.
Identifiers: ClinVar variation 920672 (VCV000920672.7), dbSNP rs1843500723, ClinGen allele CA913203423.

ClinVar aggregate classification (germline): Uncertain significance. Review status: criteria provided, multiple submitters, no conflicts (2 of 4 stars). 3 submissions from 3 submitters: Uncertain significance (3). Last evaluated 2026-07-17.

Conditions:
Juvenile polyposis syndrome (JPS). Identifiers: Orphanet 2929, MedGen C0345893, MONDO:0017380, OMIM 174900.
Hereditary cancer-predisposing syndrome. Also called: Neoplastic Syndromes, Hereditary; Hereditary Cancer Syndrome; Tumor predisposition; Hereditary neoplastic syndrome. Identifiers: Orphanet 140162, MedGen C0027672, MeSH D009386, MONDO:0015356.

Submissions (4):

Ambry Genetics
Classification: Uncertain significance for Hereditary cancer-predisposing syndrome. Last evaluated: 2026-07-17. Review status: criteria provided, single submitter. Criteria: Ambry Variant Classification Scheme 2023. Collection method: clinical testing. Allele origin: germline.
Comment: The c.531-4A>G intronic variant results from an A to G substitution 4 nucleotides upstream from coding exon 6 in the BMPR1A gene. This nucleotide position is well conserved in available vertebrate species. In silico splice site analysis predicts that this alteration may weaken the native splice acceptor site and will result in the creation or strengthening of a novel splice acceptor site. A resulting transcript is predicted to be in-frame and is not expected to trigger nonsense-mediated mRNAdecay; however, direct evidence is insufficient at this time (Ambry internal data). Based on the available evidence, the clinical significance of this variant remains unclear.

Labcorp Genetics (formerly Invitae), Labcorp
Classification: Uncertain significance for Juvenile polyposis syndrome. Last evaluated: 2023-05-29. Review status: criteria provided, single submitter. Criteria: Invitae Variant Classification Sherloc (09022015). Collection method: clinical testing. Allele origin: germline.
Comment: This variant is not present in population databases (gnomAD no frequency). This sequence change falls in intron 7 of the BMPR1A gene. It does not directly change the encoded amino acid sequence of the BMPR1A protein. RNA analysis indicates that this variant induces altered splicing and likely results in the gain of 1 amino acid residue(s), but is expected to preserve the integrity of the reading-frame. In summary, the available evidence is currently insufficient to determine the role of this variant in disease. Therefore, it has been classified as a Variant of Uncertain Significance. Studies have shown that this variant results in the activation of a cryptic splice site in intron 7 (Invitae). This variant has not been reported in the literature in individuals affected with BMPR1A-related conditions. ClinVar contains an entry for this variant (Variation ID: 920672).

Color Diagnostics, LLC DBA Color Health
Classification: Uncertain significance for Hereditary cancer-predisposing syndrome. Last evaluated: 2019-06-11. Review status: criteria provided, single submitter. Criteria: ACMG Guidelines, 2015. Collection method: clinical testing. Allele origin: germline.

Dr. Peter K. Rogan Lab, Western University
No classification provided (evidence only). Condition: Hepatocellular carcinoma. Review status: no classification provided. Collection method: in vitro. Allele origin: not applicable. Functional consequence: retained intron. Not counted in ClinVar's aggregate classification.